The following is an entry in ClinVar:

ClinVar aggregate classification (germline): Pathogenic (1 of 4 stars; one submission).

Submission:

Labcorp Genetics (formerly Invitae), Labcorp
Classification: Pathogenic. Last evaluated: 2025-07-16. Review status: criteria provided, single submitter. Criteria: Invitae Variant Classification Sherloc (09022015). Collection method: clinical testing. Allele origin: germline.
Comment: This sequence change affects a donor splice site in intron 8 of the ADCY5 gene. It is expected to disrupt RNA splicing. Variants that disrupt the donor or acceptor splice site typically lead to a loss of protein function (PMID: 16199547), however the current clinical and genetic evidence is not sufficient to establish whether loss-of-function variants in ADCY5 cause disease. This variant is not present in population databases (gnomAD no frequency). Disruption of this splice site has been observed in individual(s) with autosomal dominant ADCY5-related conditions (PMID: 25545163, 36610259). In at least one individual the variant was observed to be de novo. Algorithms developed to predict the effect of sequence changes on RNA splicing suggest that this variant may disrupt the consensus splice site. For these reasons, this variant has been classified as Pathogenic.

Literature cited by the submitters: PubMed 16199547; PubMed 25545163; PubMed 36610259.

NM_183357.3(ADCY5):c.2088+2T>C

Gene: ADCY5 (adenylate cyclase 5; minus strand). Cytogenetic location: 3q21.1.
Variant type: single nucleotide variant.
Coding change: c.2088+2T>C on transcript NM_183357.3 (MANE Select); the canonical splice donor site of the intron after coding-DNA position 2088, T replaced by C.
Molecular consequence: splice donor variant.
Genome position (GRCh38, 1-based): chr3:123,325,320, A>G on the plus strand (T>C on the coding strand, the complement: ADCY5 is on the minus strand). VCF-style: chr3-123325320-A-G. GRCh37 (hg19) VCF-style: chr3-123044167-A-G.
Other names: c.2088+2T>C (NM_001378259.1); c.1038+2T>C (NM_001199642.1).
Identifiers: ClinVar variation 4723342 (VCV004723342.1).